The following is an entry in ClinVar:

NM_001267550.2(TTN):c.80930T>C (p.Val26977Ala)

Genes: TTN (titin; minus strand), TTN-AS1 (TTN antisense RNA 1; plus strand). Cytogenetic location: 2q31.2.
Variant type: single nucleotide variant.
Coding change: c.80930T>C on transcript NM_001267550.2 (MANE Select); coding-DNA position 80930, T replaced by C.
Protein change: p.Val26977Ala; replaces valine 26977 with alanine.
Molecular consequence: missense variant.
Genome position (GRCh38, 1-based): chr2:178,565,202, A>G on the plus strand (T>C on the coding strand, the complement: TTN is on the minus strand). VCF-style: chr2-178565202-A-G. GRCh37 (hg19) VCF-style: chr2-179429929-A-G.
Other names: c.76007T>C, p.Val25336Ala (NM_001256850.1); c.53735T>C, p.Val17912Ala (NM_003319.4); c.73226T>C, p.Val24409Ala (NM_133378.4); c.54110T>C, p.Val18037Ala (NM_133432.3); c.54311T>C, p.Val18104Ala (NM_133437.4); short protein forms V17912A, V18037A, V18104A, V24409A, V25336A, V26977A.
Identifiers: ClinVar variation 2632749 (VCV002632749.1), dbSNP rs774769114, ClinGen allele CA1989278.

ClinVar aggregate classification (germline): Uncertain significance (1 of 4 stars; one submission).

Conditions:
TTN-related disorder. Also called: TTN-related condition; TTN-related disease; TTN-related disorders.

Allele frequency attached by ClinVar (database versions not stated): ExAC 0.00001.
gnomAD v4.1: 6 of 1,613,448 alleles (0.00037%); highest among the groups gnomAD compares: African/African-American, 0.004%; no homozygotes.

Submission:

PreventionGenetics, part of Exact Sciences
Classification: Uncertain significance for TTN-related condition. Last evaluated: 2023-04-18. Review status: criteria provided, single submitter. Criteria: ACMG Guidelines, 2015. Collection method: clinical testing. Allele origin: germline.
Comment: The TTN c.80930T>C variant is predicted to result in the amino acid substitution p.Val26977Ala. To our knowledge, this variant has not been reported in the literature. This variant is reported in 0.0083% of alleles in individuals of African descent in gnomAD. At this time, the clinical significance of this variant is uncertain due to the absence of conclusive functional and genetic evidence.